The following is an entry in ClinVar:

NM_153704.6(TMEM67):c.2736A>G (p.Glu912=)

Gene: TMEM67 (transmembrane protein 67; plus strand). Cytogenetic location: 8q22.1.
Variant type: single nucleotide variant.
Coding change: c.2736A>G on transcript NM_153704.6 (MANE Select); coding-DNA position 2736, A replaced by G.
Protein change: p.Glu912=; no amino-acid change (glutamic acid 912 retained).
Molecular consequence: synonymous variant. On other transcripts: non-coding transcript variant (1).
Genome position (GRCh38, 1-based): chr8:93,809,859, A>G. VCF-style: chr8-93809859-A-G. GRCh37 (hg19) VCF-style: chr8-94822087-A-G.
Other names: c.2493A>G, p.Glu831= (NM_001142301.1).
Identifiers: ClinVar variation 3390055 (VCV003390055.14).

ClinVar aggregate classification (germline): Likely benign (1 of 4 stars; one submission).

gnomAD v4.1: 1 of 1,607,780 alleles (0.000062%); highest among the groups gnomAD compares: Non-Finnish European, 0.000085%; no homozygotes.

Submission:

CeGaT Center for Human Genetics Tuebingen
Classification: Likely benign. Last evaluated: 2024-11-01. Review status: criteria provided, single submitter. Criteria: CeGaT Center For Human Genetics Tuebingen Variant Classification Criteria Version 2. Collection method: clinical testing. Allele origin: germline. Affected: yes. Observed: 1 variant allele.
Comment: TMEM67: BP4, BP7